The following is an entry in ClinVar:

ClinVar aggregate classification (germline): Uncertain significance (1 of 4 stars; one submission).

Conditions:
Epidermolysis bullosa simplex 5B, with muscular dystrophy (EBS5B). Also called: EPIDERMOLYSIS BULLOSA SIMPLEX AND LIMB-GIRDLE MUSCULAR DYSTROPHY; Epidermolysis bullosa simplex with muscular dystrophy. Identifiers: Orphanet 257, MedGen C2931072, MONDO:0009181, OMIM 226670.
Epidermolysis bullosa simplex 5C, with pyloric atresia (EBS5C). Also called: Epidermolysis bullosa simplex with pyloric atresia; PLEC-Related Epidermolysis Bullosa with Pyloric Atresia; PLEC1-Related Epidermolysis Bullosa with Pyloric Atresia. Identifiers: Orphanet 158684, MedGen C2677349, MONDO:0012807, OMIM 612138.
Autosomal recessive limb-girdle muscular dystrophy type 2Q (LGMDR17). Also called: MUSCULAR DYSTROPHY, LIMB-GIRDLE, AUTOSOMAL RECESSIVE 17. Identifiers: Orphanet 254361, MedGen C3150989, MONDO:0013390, OMIM 613723.
Epidermolysis bullosa simplex with nail dystrophy (EBS5D). Identifiers: MedGen C4225309, MONDO:0014661, OMIM 616487.
Epidermolysis bullosa simplex, Ogna type (EBS5A). Also called: Pidermolysis bullosa simplex 5A, Ogna type; EPIDERMOLYSIS BULLOSA SIMPLEX 5A, OGNA TYPE. Identifiers: Orphanet 79401, MedGen C0432317, MONDO:0007555, OMIM 131950.

Allele frequency attached by ClinVar (database versions not stated): TOPMed 0.00001; gnomAD exomes 0.00002 and 0.00003; ExAC 0.00003; gnomAD 0.00003 and 0.00004.
gnomAD v4.1: 35 of 1,612,684 alleles (0.0022%); highest among the groups gnomAD compares: Non-Finnish European, 0.0024%; no homozygotes.

Submission:

Labcorp Genetics (formerly Invitae), Labcorp
Classification: Uncertain significance for Autosomal recessive limb-girdle muscular dystrophy type 2Q; Epidermolysis bullosa simplex, Ogna type; Epidermolysis bullosa simplex with nail dystrophy; Epidermolysis bullosa simplex 5C, with pyloric atresia; Epidermolysis bullosa simplex 5B, with muscular dystrophy. Last evaluated: 2026-01-26. Review status: criteria provided, single submitter. Criteria: Invitae Variant Classification Sherloc (09022015). Collection method: clinical testing. Allele origin: germline.
Comment: This sequence change replaces arginine, which is basic and polar, with histidine, which is basic and polar, at codon 3748 of the PLEC protein (p.Arg3748His). This variant is present in population databases (rs781986718, gnomAD 0.008%). This variant has not been reported in the literature in individuals affected with PLEC-related conditions. ClinVar contains an entry for this variant (Variation ID: 1436402). An algorithm developed to predict the effect of missense changes on protein structure and function (PolyPhen-2) suggests that this variant is likely to be tolerated. In summary, the available evidence is currently insufficient to determine the role of this variant in disease. Therefore, it has been classified as a Variant of Uncertain Significance.

NM_201384.3(PLEC):c.11162G>A (p.Arg3721His)

Gene: PLEC (plectin; minus strand). Cytogenetic location: 8q24.3.
Variant type: single nucleotide variant.
Coding change: c.11162G>A on transcript NM_201384.3 (MANE Select); coding-DNA position 11162, G replaced by A.
Protein change: p.Arg3721His; replaces arginine 3721 with histidine.
Molecular consequence: missense variant.
Genome position (GRCh38, 1-based): chr8:143,918,659, C>T on the plus strand (G>A on the coding strand, the complement: PLEC is on the minus strand). VCF-style: chr8-143918659-C-T. GRCh37 (hg19) VCF-style: chr8-144992827-C-T.
Other names: c.11243G>A, p.Arg3748His (NM_000445.5); c.11120G>A, p.Arg3707His (NM_201378.4); c.11096G>A, p.Arg3699His (NM_201379.3); c.11573G>A, p.Arg3858His (NM_201380.4); c.11066G>A, p.Arg3689His (NM_201381.3); c.11162G>A, p.Arg3721His (NM_201382.4); c.11174G>A, p.Arg3725His (NM_201383.3); short protein forms R3699H, R3707H, R3689H, R3721H, R3725H, R3748H, R3858H.
Identifiers: ClinVar variation 1436402 (VCV001436402.6), dbSNP rs781986718, ClinGen allele CA4924417.
Genomic context (GRCh38, chr8:143,918,659, plus strand): 5'-CGCTCCCCCTTCACCGGGTCCAGCAGGAAGCCTGTGGCTGCCTGTGCCTCCAGCAGCAGG[C>T]GGGCCACCTCGGCACTCAGCAGCCCTTTCTTGAGAGCCTGGTAGATGCTCAGTGTCTGCC-3'
Protein context (NP_958786.1, residues 3711-3731): KKGLLSAEVA[Arg3721His]LLLEAQAATG